The following is an entry in ClinVar:

ClinVar aggregate classification (germline): Benign/Likely benign. Review status: criteria provided, multiple submitters, no conflicts (2 of 4 stars). 2 submissions from 2 submitters: Benign (1); Likely benign (1). Last evaluated 2026-08-11.

Conditions:
ZNF644-related disorder. Also called: ZNF644-related condition.

gnomAD v4.1: 647 of 1,614,186 alleles (0.04%); highest among the groups gnomAD compares: African/African-American, 0.77%; no homozygotes.

Submissions (2):

PreventionGenetics, part of Exact Sciences
Classification: Benign for ZNF644-related condition. Last evaluated: 2026-08-11. Review status: criteria provided, single submitter. Criteria: ACMG Guidelines, 2015. Collection method: clinical testing. Allele origin: germline.
Comment: This variant is classified as benign based on ACMG/AMP sequence variant interpretation guidelines (Richards et al. 2015 PMID: 25741868, with internal and published modifications).

Blueprint Genetics
Classification: Likely benign. Last evaluated: 2024-11-13. Review status: criteria provided, single submitter. Criteria: ACMG Guidelines, 2015. Collection method: clinical testing. Allele origin: germline.

NM_201269.3(ZNF644):c.3939T>A (p.Ile1313=)

Gene: ZNF644 (zinc finger protein 644; minus strand). Cytogenetic location: 1p22.2.
Variant type: single nucleotide variant.
Coding change: c.3939T>A on transcript NM_201269.3 (MANE Select); coding-DNA position 3939, T replaced by A.
Protein change: p.Ile1313=; no amino-acid change (isoleucine 1313 retained).
Molecular consequence: synonymous variant.
Genome position (GRCh38, 1-based): chr1:90,916,843, A>T on the plus strand (T>A on the coding strand, the complement: ZNF644 is on the minus strand). VCF-style: chr1-90916843-A-T. GRCh37 (hg19) VCF-style: chr1-91382400-A-T.
Other names: c.3939T>A (NM_201269.2); c.3939T>A, p.Ile1313= (NM_001437610.1, NM_001437611.1); c.4062T>A, p.Ile1354= (NM_001437612.1, NM_001437613.1); c.273T>A, p.Ile91= (NM_016620.4, NM_032186.5).
Identifiers: ClinVar variation 4895617 (VCV004895617.2).